The following is an entry in ClinVar:

NM_000062.3(SERPING1):c.-22-1G>A

Gene: SERPING1 (serpin family G member 1; plus strand). Cytogenetic location: 11q12.1.
Variant type: single nucleotide variant.
Coding change: c.-22-1G>A on transcript NM_000062.3 (MANE Select); the canonical splice acceptor site of the intron before 22 bases upstream of the start codon, G replaced by A.
Molecular consequence: splice acceptor variant. On other transcripts: 5 prime UTR variant (1).
Genome position (GRCh38, 1-based): chr11:57,598,248, G>A. VCF-style: chr11-57598248-G-A. GRCh37 (hg19) VCF-style: chr11-57365721-G-A.
Other names: c.-23G>A (NM_001032295.2).
Identifiers: ClinVar variation 3253588 (VCV003253588.2), dbSNP rs2495420852.

ClinVar aggregate classification (germline): Pathogenic (1 of 4 stars; one submission).

Conditions:
Hereditary angioedema type 1 (HAE1). Identifiers: Orphanet 100050, Orphanet 100051, Orphanet 91378, MedGen C2717906, MONDO:0015053, OMIM 106100.

Submission:

DNA-diagnostics Laboratory, Research Centre For Medical Genetics
Classification: Pathogenic for Hereditary angioedema type 1. Last evaluated: 2024-07-14. Review status: criteria provided, single submitter. Criteria: ACMG Guidelines, 2015. Collection method: research. Allele origin: germline. Inheritance: Autosomal dominant inheritance. Affected: yes. Observed: 5 variant alleles, 5 heterozygotes.
Comment: According to the published information of Verpy et al., 1996, Duponchel et al., 2006, Gösswein et al., 2008, Loules et al., 2018, the c.-22-1G>A variant in SERPING1 meets ACMG/ClinGen SVI guidance criteria to be classified as pathogenic: PVS1, PP4_Str, PS4_Mod, PM2_Sup

Literature cited by the submitters: PubMed 8755917; PubMed 18758157; PubMed 16470590; DOI 10.1016/j.gene.2018.05.029.